The following is an entry in ClinVar:

ClinVar aggregate classification (germline): Uncertain significance (1 of 4 stars; one submission).

Conditions:
Episodic ataxia type 2 (EA2). Also called: ACETAZOLAMIDE-RESPONSIVE HEREDITARY PAROXYSMAL CEREBELLAR ATAXIA; ATAXIA, EPISODIC, WITH NYSTAGMUS; ATAXIA, FAMILIAL PAROXYSMAL; CEREBELLAR ATAXIA, PAROXYSMAL, ACETAZOLAMIDE-RESPONSIVE; CEREBELLOPATHY, HEREDITARY PAROXYSMAL; EPISODIC ATAXIA, NYSTAGMUS-ASSOCIATED. Identifiers: Orphanet 97, MedGen C1720416, MONDO:0007163, OMIM 108500.
Developmental and epileptic encephalopathy, 42 (DEE42A). Also called: EPILEPTIC ENCEPHALOPATHY, EARLY INFANTILE, 42A; DEVELOPMENTAL AND EPILEPTIC ENCEPHALOPATHY 42A; Epileptic encephalopathy, early infantile, 42. Identifiers: MedGen C4310716, MONDO:0014917, OMIM 617106.

Submission:

Labcorp Genetics (formerly Invitae), Labcorp
Classification: Uncertain significance for Developmental and epileptic encephalopathy, 42; Episodic ataxia type 2. Last evaluated: 2021-11-22. Review status: criteria provided, single submitter. Criteria: Invitae Variant Classification Sherloc (09022015). Collection method: clinical testing. Allele origin: germline.
Comment: This variant, c.6655_6656insCCCACC, results in the insertion of 2 amino acid(s) of the CACNA1A protein (p.His2218_His2219insProHis), but otherwise preserves the integrity of the reading frame. This variant is not present in population databases (gnomAD no frequency). This variant has not been reported in the literature in individuals affected with CACNA1A-related conditions. Experimental studies and prediction algorithms are not available or were not evaluated, and the functional significance of this variant is currently unknown. In summary, the available evidence is currently insufficient to determine the role of this variant in disease. Therefore, it has been classified as a Variant of Uncertain Significance.

NM_001127222.2(CACNA1A):c.6652_6653insCCCACC (p.His2217_His2218insProHis)

Gene: CACNA1A (calcium voltage-gated channel subunit alpha1 A; minus strand). Cytogenetic location: 19p13.13.
Variant type: Insertion.
Coding change: c.6652_6653insCCCACC on transcript NM_001127222.2 (MANE Select); coding-DNA positions 6652 to 6653, CCCACC inserted.
Protein change: p.His2217_His2218insProHis.
Molecular consequence: inframe insertion.
Genome position: GRCh38 VCF-style: chr19-13208883-T-TGGTGGG. GRCh37 (hg19) VCF-style: chr19-13319697-T-TGGTGGG.
Other names: c.6655_6656insCCCACC, p.His2218_His2219insProHis (NM_001127221.2); c.6661_6662insCCCACC, p.His2220_His2221insProHis (NM_001174080.2); c.6670_6671insCCCACC, p.His2223_His2224insProHis (NM_023035.3, NM_000068.4).
Identifiers: ClinVar variation 2124167 (VCV002124167.4), dbSNP rs2512516233, ClinGen allele CA2580096596.